The following is an entry in ClinVar:

ClinVar aggregate classification (germline): Conflicting classifications of pathogenicity. Review status: criteria provided, conflicting classifications (1 of 4 stars). 2 submissions from 2 submitters: Uncertain significance (1); Likely benign (1). Last evaluated 2025-03-19.

Allele frequency attached by ClinVar (database versions not stated): TOPMed 0.00006; gnomAD 0.00008; ExAC 0.00014; gnomAD exomes 0.00019.
gnomAD v4.1: 286 of 1,608,504 alleles (0.018%); highest among the groups gnomAD compares: Non-Finnish European, 0.022%; 1 homozygote.

Submissions (2):

Labcorp Genetics (formerly Invitae), Labcorp
Classification: Uncertain significance. Last evaluated: 2025-03-19. Review status: criteria provided, single submitter. Criteria: Invitae Variant Classification Sherloc (09022015). Collection method: clinical testing. Allele origin: germline.
Comment: This sequence change replaces arginine, which is basic and polar, with glutamine, which is neutral and polar, at codon 351 of the PLD3 protein (p.Arg351Gln). This variant is present in population databases (rs545286354, gnomAD 0.03%). This variant has not been reported in the literature in individuals affected with PLD3-related conditions. ClinVar contains an entry for this variant (Variation ID: 2172277). An algorithm developed to predict the effect of missense changes on protein structure and function (PolyPhen-2) suggests that this variant is likely to be disruptive. In summary, the available evidence is currently insufficient to determine the role of this variant in disease. Therefore, it has been classified as a Variant of Uncertain Significance.

CeGaT Center for Human Genetics Tuebingen
Classification: Likely benign. Last evaluated: 2022-10-01. Review status: criteria provided, single submitter. Criteria: CeGaT Center For Human Genetics Tuebingen Variant Classification Criteria Version 2. Collection method: clinical testing. Allele origin: germline. Affected: yes. Observed: 2 variant alleles.
Comment: PLD3: BP4, BS1

NM_012268.4(PLD3):c.1052G>A (p.Arg351Gln)

Gene: PLD3 (phospholipase D family member 3; plus strand). Cytogenetic location: 19q13.2.
Variant type: single nucleotide variant.
Coding change: c.1052G>A on transcript NM_012268.4 (MANE Select); coding-DNA position 1052, G replaced by A.
Protein change: p.Arg351Gln; replaces arginine 351 with glutamine.
Molecular consequence: missense variant.
Genome position (GRCh38, 1-based): chr19:40,376,641, G>A. VCF-style: chr19-40376641-G-A. GRCh37 (hg19) VCF-style: chr19-40882548-G-A.
Other names: c.1052G>A, p.Arg351Gln (NM_001031696.4, NM_001291311.2); short protein forms R351Q.
Identifiers: ClinVar variation 2172277 (VCV002172277.28), dbSNP rs545286354, ClinGen allele CA9442924.
Genomic context (GRCh38, chr19:40,376,641, plus strand): 5'-GCCCCACCTCCTATACACCCGTCCTCAGGTTCTGGCCTGCCATTGACGATGGGCTGCGGC[G>A]GGCCACCTACGAGCGTGGCGTCAAGGTGCGCCTGCTCATCAGCTGCTGGGGACACTCGGA-3'
Protein context (NP_036400.2, residues 341-361): FWPAIDDGLR[Arg351Gln]ATYERGVKVR